The following is an entry in ClinVar:

ClinVar aggregate classification (germline): Benign. Review status: criteria provided, multiple submitters, no conflicts (2 of 4 stars). 2 submissions from 2 submitters: Benign (2). Last evaluated 2023-01-01.

Allele frequency attached by ClinVar (database versions not stated): 1000 Genomes Project 30x 0.00281; 1000 Genomes Project 0.00300; TOPMed 0.00626; ESP Exome Variant Server 0.00679; gnomAD 0.00724 and 0.00737; gnomAD exomes 0.00747; ExAC 0.00748.
gnomAD v4.1: 14,986 of 1,512,940 alleles (0.99%); highest among the groups gnomAD compares: Non-Finnish European, 1.1%; 94 homozygotes.

Submissions (2):

CeGaT Center for Human Genetics Tuebingen
Classification: Benign. Last evaluated: 2023-01-01. Review status: criteria provided, single submitter. Criteria: CeGaT Center For Human Genetics Tuebingen Variant Classification Criteria Version 2. Collection method: clinical testing. Allele origin: germline. Affected: yes. Observed: 1 variant allele.
Comment: TNRC18: BP4, BS1, BS2

Labcorp Genetics (formerly Invitae), Labcorp
Classification: Benign. Last evaluated: 2019-12-31. Review status: criteria provided, single submitter. Criteria: Invitae Variant Classification Sherloc (09022015). Collection method: clinical testing. Allele origin: germline.

NM_001080495.3(TNRC18):c.7073C>G (p.Pro2358Arg)

Gene: TNRC18 (trinucleotide repeat containing 18; minus strand). Cytogenetic location: 7p22.1.
Variant type: single nucleotide variant.
Coding change: c.7073C>G on transcript NM_001080495.3 (MANE Select); coding-DNA position 7073, C replaced by G.
Protein change: p.Pro2358Arg; replaces proline 2358 with arginine.
Molecular consequence: missense variant.
Genome position (GRCh38, 1-based): chr7:5,313,818, G>C on the plus strand (C>G on the coding strand, the complement: TNRC18 is on the minus strand). VCF-style: chr7-5313818-G-C. GRCh37 (hg19) VCF-style: chr7-5353449-G-C.
Other names: short protein forms P2358R.
Identifiers: ClinVar variation 716640 (VCV000716640.28), dbSNP rs191307109, ClinGen allele CA4143846.